The following is an entry in ClinVar:

NM_020937.4(FANCM):c.4294G>T (p.Gly1432Ter)

Gene: FANCM (FA complementation group M; plus strand). Cytogenetic location: 14q21.2.
Variant type: single nucleotide variant.
Coding change: c.4294G>T on transcript NM_020937.4 (MANE Select); coding-DNA position 4294, G replaced by T.
Protein change: p.Gly1432Ter; replaces glycine 1432 with a stop codon.
Molecular consequence: nonsense.
Genome position (GRCh38, 1-based): chr14:45,181,501, G>T. VCF-style: chr14-45181501-G-T. GRCh37 (hg19) VCF-style: chr14-45650704-G-T.
Other names: c.4216G>T, p.Gly1406Ter (NM_001308133.2); short protein forms G1406*, G1432*.
Identifiers: ClinVar variation 1999836 (VCV001999836.4), dbSNP rs2503213449, ClinGen allele CA389607172.

ClinVar aggregate classification (germline): Pathogenic (1 of 4 stars; one submission).

Conditions:
Fanconi anemia (FA). Also called: Fanconi's anemia. Identifiers: Orphanet 84, MedGen C0015625, MeSH D005199, MONDO:0019391.

Submission:

Labcorp Genetics (formerly Invitae), Labcorp
Classification: Pathogenic for Fanconi anemia. Last evaluated: 2022-05-28. Review status: criteria provided, single submitter. Criteria: Invitae Variant Classification Sherloc (09022015). Collection method: clinical testing. Allele origin: germline.
Comment: This variant is not present in population databases (gnomAD no frequency). For these reasons, this variant has been classified as Pathogenic. This variant has not been reported in the literature in individuals affected with FANCM-related conditions. This sequence change creates a premature translational stop signal (p.Gly1432*) in the FANCM gene. It is expected to result in an absent or disrupted protein product. Loss-of-function variants in FANCM are known to be pathogenic (PMID: 29895858, 30075111).

Literature cited by the submitters: PubMed 29895858; PubMed 30075111.